The following is an entry in ClinVar:

NM_003482.4(KMT2D):c.691G>A (p.Val231Met)

Gene: KMT2D (lysine methyltransferase 2D; minus strand). Cytogenetic location: 12q13.12.
Variant type: single nucleotide variant.
Coding change: c.691G>A on transcript NM_003482.4 (MANE Select); coding-DNA position 691, G replaced by A.
Protein change: p.Val231Met; replaces valine 231 with methionine.
Molecular consequence: missense variant.
Genome position (GRCh38, 1-based): chr12:49,053,624, C>T on the plus strand (G>A on the coding strand, the complement: KMT2D is on the minus strand). VCF-style: chr12-49053624-C-T. GRCh37 (hg19) VCF-style: chr12-49447407-C-T.
Other names: short protein forms V231M.
Identifiers: ClinVar variation 4801265 (VCV004801265.1).
Genomic context (GRCh38, chr12:49,053,624, plus strand): 5'-AGTGATGCCCACAGCTGGTACAGAAGAACAGGTCACACAACTCCCCTGGCCCCTCACACA[C>T]TGCACAGCGAGCCTCCTCTGCAGGGGGTAGAGACACCACAGGTCAGCTATGGATTCCTTG-3'
Protein context (NP_003473.3, residues 221-241): AAYLEEARCA[Val231Met]CEGPGELCDL

ClinVar aggregate classification (germline): Uncertain significance (1 of 4 stars; one submission).

Conditions:
Kabuki syndrome. Also called: NIIKAWA-KUROKI SYNDROME; Kabuki make-up syndrome. Identifiers: Orphanet 2322, MedGen C0796004, MONDO:0016512.

Submission:

Labcorp Genetics (formerly Invitae), Labcorp
Classification: Uncertain significance for Kabuki syndrome. Last evaluated: 2025-12-11. Review status: criteria provided, single submitter. Criteria: Invitae Variant Classification Sherloc (09022015). Collection method: clinical testing. Allele origin: germline.
Comment: This sequence change replaces valine, which is neutral and non-polar, with methionine, which is neutral and non-polar, at codon 231 of the KMT2D protein (p.Val231Met). This variant is not present in population databases (gnomAD no frequency). This variant has not been reported in the literature in individuals affected with KMT2D-related conditions. Invitae Evidence Modeling of protein sequence and biophysical properties (such as structural, functional, and spatial information, amino acid conservation, physicochemical variation, residue mobility, and thermodynamic stability) indicates that this missense variant is not expected to disrupt KMT2D protein function with a negative predictive value of 95%. In summary, the available evidence is currently insufficient to determine the role of this variant in disease. Therefore, it has been classified as a Variant of Uncertain Significance.